The following is an entry in ClinVar:

ClinVar aggregate classification (germline): Pathogenic (1 of 4 stars; one submission).

Conditions:
Neurofibromatosis, type 1 (NF1). Also called: VON RECKLINGHAUSEN DISEASE; Peripheral type neurofibromatosis; Neurofibromatosis, type I; NEUROFIBROMATOSIS, TYPE I, SOMATIC. Identifiers: Orphanet 636, MedGen C0027831, MONDO:0018975, OMIM 162200. Disease mechanism: loss of function.

Submission:

Department of Medical Genetics, International Peace Maternity and Child Health Hospital, Shanghai Jiao Tong University School of Medicine
Classification: Pathogenic for Neurofibromatosis, type 1. Last evaluated: 2025-03-22. Review status: criteria provided, single submitter. Criteria: ACMG Guidelines, 2015. Collection method: clinical testing. Allele origin: de novo. Affected: yes.
Comment: Loss-of-function variants in NF1 are known to be pathogenic (PMID: 10712197, 23913538), so this variant has been classified as Pathogenic.

Literature cited by the submitters: PubMed 10712197; PubMed 23913538.

NM_001042492.3(NF1):c.2195del (p.Leu732fs)

Gene: NF1 (neurofibromin 1; plus strand). Cytogenetic location: 17q11.2.
Variant type: Deletion.
Coding change: c.2195del on transcript NM_001042492.3 (MANE Select); coding-DNA position 2195, one base deleted (T; older notation c.2195delT).
Protein change: p.Leu732fs; shifts the reading frame from leucine 732.
Molecular consequence: frameshift variant.
Genome position (GRCh38, 1-based): chr17:31,226,628, T deleted; the last of 2 consecutive T bases (chr17:31,226,627-31,226,628); deleting either gives the same sequence. VCF-style (leftmost placement, unchanged base first): chr17-31226626-CT-C. GRCh37 (hg19) VCF-style: chr17-29553644-CT-C.
Other names: c.2195delT, p.Leu732Cysfs (NM_000267.4); short protein forms L732fs.
Identifiers: ClinVar variation 3891314 (VCV003891314.1).